The following is an entry in ClinVar:

ClinVar aggregate classification (germline): Uncertain significance. Review status: criteria provided, multiple submitters, no conflicts (2 of 4 stars). 2 submissions from 2 submitters: Uncertain significance (2). Last evaluated 2025-12-26.

Submissions (2):

Dasa
Classification: Uncertain significance. Last evaluated: 2025-12-26. Review status: criteria provided, single submitter. Criteria: DASA Assertion Criteria. Collection method: clinical testing. Allele origin: germline.
Comment: NM_001386298.1(CIC):c.5422A>G (p.Lys1808Glu) is a missense variant that results in the substitution of lysine with glutamic acid. This variant is absent from population databases. The currently available literature and clinical evidence are not sufficient to establish a definitive association between this variant and the reported condition. Therefore, this variant is classified as a variant of uncertain significance.

GeneDx
Classification: Uncertain significance. Last evaluated: 2022-09-07. Review status: criteria provided, single submitter. Criteria: GeneDx Variant Classification Process June 2021. Collection method: clinical testing. Allele origin: germline. Affected: yes.
Comment: Not observed at significant frequency in large population cohorts (gnomAD); In silico analysis supports that this missense variant does not alter protein structure/function; Has not been previously published as pathogenic or benign to our knowledge

NM_001386298.1(CIC):c.5422A>G (p.Lys1808Glu)

Gene: CIC (capicua transcriptional repressor; plus strand). Cytogenetic location: 19q13.2.
Variant type: single nucleotide variant.
Coding change: c.5422A>G on transcript NM_001386298.1 (MANE Select); coding-DNA position 5422, A replaced by G.
Protein change: p.Lys1808Glu; replaces lysine 1808 with glutamic acid.
Molecular consequence: missense variant.
Genome position (GRCh38, 1-based): chr19:42,291,463, A>G. VCF-style: chr19-42291463-A-G. GRCh37 (hg19) VCF-style: chr19-42795615-A-G.
Other names: c.5422A>G, p.Lys1808Glu (NM_001304815.2, NM_001379480.1, NM_001379482.1 and 1 more transcripts); c.2695A>G, p.Lys899Glu (NM_001379484.1, NM_001379485.1, NM_015125.5); short protein forms K1808E, K899E.
Identifiers: ClinVar variation 2443476 (VCV002443476.3), dbSNP rs2513973213, ClinGen allele CA406111790.